The following is an entry in ClinVar:

ClinVar aggregate classification (germline): Uncertain significance. Review status: criteria provided, multiple submitters, no conflicts (2 of 4 stars). 2 submissions from 2 submitters: Uncertain significance (2). Last evaluated 2024-06-30.

Conditions:
Familial thoracic aortic aneurysm and aortic dissection (TAAD). Also called: Thoracic aortic aneurysms and dissections. Identifiers: Orphanet 91387, MedGen C4707243, MONDO:0019625.

Submissions (2):

Ambry Genetics
Classification: Uncertain significance for Familial thoracic aortic aneurysm and aortic dissection. Last evaluated: 2024-06-30. Review status: criteria provided, single submitter. Criteria: Ambry Variant Classification Scheme 2023. Collection method: clinical testing. Allele origin: germline.
Comment: The p.M505V variant (also known as c.1513A>G), located in coding exon 14 of the CBS gene, results from an A to G substitution at nucleotide position 1513. The methionine at codon 505 is replaced by valine, an amino acid with highly similar properties. This amino acid position is conserved. In addition, the in silico prediction for this alteration is inconclusive. Based on the available evidence, the clinical significance of this variant remains unclear.

GeneDx
Classification: Uncertain significance. Last evaluated: 2020-10-15. Review status: criteria provided, single submitter. Criteria: GeneDx Variant Classification Process June 2021. Collection method: clinical testing. Allele origin: germline. Affected: yes.
Comment: Not observed in large population cohorts (Lek et al., 2016); In silico analysis supports that this missense variant does not alter protein structure/function; Has not been previously published as pathogenic or benign to our knowledge

NM_000071.3(CBS):c.1513A>G (p.Met505Val)

Gene: CBS (cystathionine beta-synthase; minus strand). Cytogenetic location: 21q22.3.
Variant type: single nucleotide variant.
Coding change: c.1513A>G on transcript NM_000071.3 (MANE Select); coding-DNA position 1513, A replaced by G.
Protein change: p.Met505Val; replaces methionine 505 with valine.
Molecular consequence: missense variant.
Genome position (GRCh38, 1-based): chr21:43,056,842, T>C on the plus strand (A>G on the coding strand, the complement: CBS is on the minus strand). VCF-style: chr21-43056842-T-C. GRCh37 (hg19) VCF-style: chr21-44476952-T-C.
Other names: c.1513A>G, p.Met505Val (NM_001178008.3, NM_001178009.3, NM_001320298.2); c.1198A>G, p.Met400Val (NM_001321072.1); short protein forms M400V, M505V.
Identifiers: ClinVar variation 1306989 (VCV001306989.3), dbSNP rs2146328317, ClinGen allele CA410395711.